The following is an entry in ClinVar:

ClinVar aggregate classification (germline): Pathogenic. Review status: criteria provided, multiple submitters, no conflicts (2 of 4 stars). 2 submissions from 2 submitters: Pathogenic (2). Last evaluated 2025-12-01.

Conditions:
GOLGA2-related disorder. Also called: GOLGA2-related condition.

Submissions (2):

PreventionGenetics, part of Exact Sciences
Classification: Pathogenic for GOLGA2-related condition. Last evaluated: 2025-12-01. Review status: criteria provided, single submitter. Criteria: ACMG Guidelines, 2015. Collection method: clinical testing. Allele origin: germline.
Comment: The GOLGA2 c.615_616delGA variant is predicted to result in a frameshift and premature protein termination (p.Asn206Profs*41). To our knowledge, this variant has not been reported in individuals with GOLGA2-related disease or a large population database (gnomAD), indicating this variant is rare. Frameshift variants in GOLGA2 are expected to be pathogenic. This variant is interpreted as pathogenic.

Labcorp Genetics (formerly Invitae), Labcorp
Classification: Pathogenic. Last evaluated: 2022-07-05. Review status: criteria provided, single submitter. Criteria: Invitae Variant Classification Sherloc (09022015). Collection method: clinical testing. Allele origin: germline.
Comment: This sequence change creates a premature translational stop signal (p.Asn191Profs*41) in the GOLGA2 gene. It is expected to result in an absent or disrupted protein product. Loss-of-function variants in GOLGA2 are known to be pathogenic (PMID: 26742501, 30237576, 34424553). This variant is not present in population databases (gnomAD no frequency). This variant has not been reported in the literature in individuals affected with GOLGA2-related conditions. For these reasons, this variant has been classified as Pathogenic.

Literature cited by the submitters: PubMed 26742501 (cited by Labcorp Genetics (formerly Invitae), Labcorp); PubMed 30237576 (cited by Labcorp Genetics (formerly Invitae), Labcorp); PubMed 34424553 (cited by Labcorp Genetics (formerly Invitae), Labcorp).

NM_001366244.2(GOLGA2):c.651_652del (p.Asn218fs)

Gene: GOLGA2 (golgin A2; minus strand). Cytogenetic location: 9q34.11.
Variant type: Deletion.
Coding change: c.651_652del on transcript NM_001366244.2 (MANE Select); coding-DNA positions 651 to 652, 2 bases deleted (GA; older notation c.651_652delGA).
Protein change: p.Asn218fs; shifts the reading frame from asparagine 218.
Molecular consequence: frameshift variant. On other transcripts: intron variant (4).
Genome position (GRCh38, 1-based): chr9:128,266,316-128,266,317, TC deleted on the plus strand (GA on the coding strand, the reverse complement: GOLGA2 is on the minus strand); deleting any 2 consecutive bases within chr9:128,266,316-128,266,318 gives the same sequence; the c. name uses the placement nearest the transcript's 3' end. VCF-style (leftmost placement, unchanged base first): chr9-128266315-TTC-T. GRCh37 (hg19) VCF-style: chr9-131028594-TTC-T.
Other names: c.615_616delGA (NM_001366244.1); c.570_571del, p.Asn191fs (NM_001366246.2, NM_001389697.2, NM_001389698.2 and 1 more transcripts); c.636_637del, p.Asn213fs (NM_001389695.2); c.651_652del, p.Asn218fs (NM_001389696.2); c.489_490del, p.Asn164fs (NM_001389701.2); c.465_466del, p.Asn156fs (NM_001389702.2); c.216_217del, p.Asn73fs (NM_001389704.2); c.208-297_208-296del (NM_001389705.2); and 2 more; short protein forms N191fs, N213fs, N73fs, N156fs, N164fs, N218fs.
Identifiers: ClinVar variation 2144782 (VCV002144782.2), dbSNP rs2539254386, ClinGen allele CA2580079654.